The following is an entry in ClinVar:

NM_003995.4(NPR2):c.1882G>C (p.Val628Leu)

Gene: NPR2 (natriuretic peptide receptor 2; plus strand). Cytogenetic location: 9p13.3.
Variant type: single nucleotide variant.
Coding change: c.1882G>C on transcript NM_003995.4 (MANE Select); coding-DNA position 1882, G replaced by C.
Protein change: p.Val628Leu; replaces valine 628 with leucine.
Molecular consequence: missense variant.
Genome position (GRCh38, 1-based): chr9:35,802,798, G>C. VCF-style: chr9-35802798-G-C. GRCh37 (hg19) VCF-style: chr9-35802795-G-C.
Other names: c.1891G>C, p.Val631Leu (NM_001378923.1); short protein forms V628L, V631L.
Identifiers: ClinVar variation 5040261 (VCV005040261.1).

ClinVar aggregate classification (germline): Uncertain significance (1 of 4 stars; one submission).

Submission:

CeGaT Center for Human Genetics Tuebingen
Classification: Uncertain significance. Last evaluated: 2026-07-01. Review status: criteria provided, single submitter. Criteria: CeGaT Center For Human Genetics Tuebingen Variant Classification Criteria Version 2. Collection method: clinical testing. Allele origin: germline. Affected: yes. Observed: 1 variant allele.
Comment: NPR2: PM2, PP2, PP3